The following is an entry in ClinVar:

NM_015107.3(PHF8):c.2554A>G (p.Thr852Ala)

Gene: PHF8 (PHD finger protein 8; minus strand). Cytogenetic location: Xp11.22.
Variant type: single nucleotide variant.
Coding change: c.2554A>G on transcript NM_015107.3 (MANE Select); coding-DNA position 2554, A replaced by G.
Protein change: p.Thr852Ala; replaces threonine 852 with alanine.
Molecular consequence: missense variant.
Genome position (GRCh38, 1-based): chrX:53,944,229, T>C on the plus strand (A>G on the coding strand, the complement: PHF8 is on the minus strand). VCF-style: chrX-53944229-T-C. GRCh37 (hg19) VCF-style: chrX-53970662-T-C.
Other names: c.2662A>G, p.Thr888Ala (NM_001441097.1, NM_001184896.1); c.2359A>G, p.Thr787Ala (NM_001441098.1, NM_001441096.1); c.2251A>G, p.Thr751Ala (NM_001184897.2); c.2503A>G, p.Thr835Ala (NM_001184898.2); short protein forms T751A, T787A, T835A, T852A, T888A.
Identifiers: ClinVar variation 5037552 (VCV005037552.1).

ClinVar aggregate classification (germline): Uncertain significance (1 of 4 stars; one submission).

Submission:

GeneDx
Classification: Uncertain significance. Last evaluated: 2026-04-22. Review status: criteria provided, single submitter. Criteria: GeneDx Variant Classification Process June 2021. Collection method: clinical testing. Allele origin: germline.
Comment: Not observed at significant frequency in large population cohorts (gnomAD); In silico analysis suggests that this missense variant does not alter protein structure/function; Has not been previously published as pathogenic or benign to our knowledge